The following is an entry in ClinVar:

ClinVar aggregate classification (germline): Benign (1 of 4 stars; one submission).

Allele frequency attached by ClinVar (database versions not stated): gnomAD 0.00495.

Submission:

CeGaT Center for Human Genetics Tuebingen
Classification: Benign. Last evaluated: 2023-02-01. Review status: criteria provided, single submitter. Criteria: CeGaT Center For Human Genetics Tuebingen Variant Classification Criteria Version 2. Collection method: clinical testing. Allele origin: germline. Affected: yes. Observed: 1 variant allele.
Comment: MUC4: BS1, BS2

NC_000003.12:g.195817321A>G

Gene: MUC4 (mucin 4, cell surface associated). Cytogenetic location: 3q29.
Variant type: single nucleotide variant.
Genome position: GRCh38 VCF-style: chr3-195817321-A-G. GRCh37 (hg19) VCF-style: chr3-195544192-A-G.
Identifiers: ClinVar variation 2654497 (VCV002654497.24), dbSNP rs373202127, ClinGen allele CA90762849.